The following is an entry in ClinVar:

NM_005343.4(HRAS):c.454G>A (p.Val152Met)

Genes: LRRC56 (leucine rich repeat containing 56; plus strand), HRAS (HRas proto-oncogene, GTPase; minus strand). Cytogenetic location: 11p15.5.
Variant type: single nucleotide variant.
Coding change: c.454G>A on transcript NM_005343.4 (MANE Select); coding-DNA position 454, G replaced by A.
Protein change: p.Val152Met; replaces valine 152 with methionine.
Molecular consequence: missense variant. On other transcripts: 3 prime UTR variant (1).
Genome position (GRCh38, 1-based): chr11:532,752, C>T on the plus strand (G>A on the coding strand, the complement: HRAS is on the minus strand). VCF-style: chr11-532752-C-T. GRCh37 (hg19) VCF-style: chr11-532752-C-T.
Other names: c.454G>A, p.Val152Met (NM_001130442.3); c.217G>A, p.Val73Met (NM_001318054.2); c.*23G>A (NM_176795.5); short protein forms V152M, V73M.
Identifiers: ClinVar variation 1321132 (VCV001321132.6), dbSNP rs1851183840, ClinGen allele CA378921257.

ClinVar aggregate classification (germline): Uncertain significance. Review status: criteria provided, multiple submitters, no conflicts (2 of 4 stars). 2 submissions from 2 submitters: Uncertain significance (2). Last evaluated 2022-05-20.

Conditions:
Costello syndrome (CSTLO). Also called: FCS SYNDROME; FACIOCUTANEOSKELETAL SYNDROME; HRAS-Related Costello Syndrome. Identifiers: Orphanet 3071, MedGen C0587248, MONDO:0009026, OMIM 218040.

Allele frequency attached by ClinVar (database versions not stated): gnomAD 0.00001.
gnomAD v4.1: 1 of 1,612,496 alleles (0.000062%); no homozygotes.

Submissions (2):

Labcorp Genetics (formerly Invitae), Labcorp
Classification: Uncertain significance for Costello syndrome. Last evaluated: 2022-05-20. Review status: criteria provided, single submitter. Criteria: Invitae Variant Classification Sherloc (09022015). Collection method: clinical testing. Allele origin: germline.
Comment: Advanced modeling of protein sequence and biophysical properties (such as structural, functional, and spatial information, amino acid conservation, physicochemical variation, residue mobility, and thermodynamic stability) performed at Invitae indicates that this missense variant is expected to disrupt HRAS protein function. ClinVar contains an entry for this variant (Variation ID: 1321132). This variant has not been reported in the literature in individuals affected with HRAS-related conditions. This variant is not present in population databases (gnomAD no frequency). This sequence change replaces valine, which is neutral and non-polar, with methionine, which is neutral and non-polar, at codon 152 of the HRAS protein (p.Val152Met). In summary, the available evidence is currently insufficient to determine the role of this variant in disease. Therefore, it has been classified as a Variant of Uncertain Significance.

GeneDx
Classification: Uncertain significance. Last evaluated: 2019-02-12. Review status: criteria provided, single submitter. Criteria: GeneDx Variant Classification Process June 2021. Collection method: clinical testing. Allele origin: germline. Affected: yes.
Comment: Not observed in large population cohorts (Lek et al., 2016); The majority of missense variants in this gene are considered pathogenic (Stenson et al., 2014); In silico analysis, which includes protein predictors and evolutionary conservation, supports a deleterious effect; Has not been previously published as pathogenic or benign to our knowledge